The following is an entry in ClinVar:

NM_005732.4(RAD50):c.133A>G (p.Ile45Val)

Gene: RAD50 (RAD50 double strand break repair protein; plus strand). Cytogenetic location: 5q31.1.
Variant type: single nucleotide variant.
Coding change: c.133A>G on transcript NM_005732.4 (MANE Select); coding-DNA position 133, A replaced by G.
Protein change: p.Ile45Val; replaces isoleucine 45 with valine.
Molecular consequence: missense variant.
Genome position (GRCh38, 1-based): chr5:132,559,287, A>G. VCF-style: chr5-132559287-A-G. GRCh37 (hg19) VCF-style: chr5-131894979-A-G.
Other names: short protein forms I45V.
Identifiers: ClinVar variation 457376 (VCV000457376.11), dbSNP rs1554096786, ClinGen allele CA360953145.
Genomic context (GRCh38, chr5:132,559,287, plus strand): 5'-ATGGTAAACTTCTGTGGTTCTCTTATAACGAAATAATGTAATTTTCTATTTCTTTAGACC[A>G]TCATTGAATGTCTAAAATATATTTGTACTGGAGATTTCCCTCCTGGAACCAAAGGAAATA-3'
Protein context (NP_005723.2, residues 35-55): VGPNGAGKTT[Ile45Val]IECLKYICTG

ClinVar aggregate classification (germline): Uncertain significance. Review status: criteria provided, multiple submitters, no conflicts (2 of 4 stars). 2 submissions from 2 submitters: Uncertain significance (2). Last evaluated 2025-07-04.

Conditions:
Hereditary cancer-predisposing syndrome. Also called: Neoplastic Syndromes, Hereditary; Tumor predisposition; Hereditary Cancer Syndrome; Hereditary neoplastic syndrome. Identifiers: Orphanet 140162, MedGen C0027672, MeSH D009386, MONDO:0015356.

Submissions (2):

Ambry Genetics
Classification: Uncertain significance for Hereditary cancer-predisposing syndrome. Last evaluated: 2025-07-04. Review status: criteria provided, single submitter. Criteria: Ambry Variant Classification Scheme 2023. Collection method: clinical testing. Allele origin: germline.
Comment: The p.I45V variant (also known as c.133A>G), located in coding exon 2 of the RAD50 gene, results from an A to G substitution at nucleotide position 133. The isoleucine at codon 45 is replaced by valine, an amino acid with highly similar properties. This amino acid position is conserved. In addition, this alteration is predicted to be tolerated by in silico analysis. Since supporting evidence is limited at this time, the clinical significance of this alteration remains unclear.

Labcorp Genetics (formerly Invitae), Labcorp
Classification: Uncertain significance for Hereditary cancer-predisposing syndrome. Last evaluated: 2023-09-23. Review status: criteria provided, single submitter. Criteria: Invitae Variant Classification Sherloc (09022015). Collection method: clinical testing. Allele origin: germline.
Comment: In summary, the available evidence is currently insufficient to determine the role of this variant in disease. Therefore, it has been classified as a Variant of Uncertain Significance. Advanced modeling of protein sequence and biophysical properties (such as structural, functional, and spatial information, amino acid conservation, physicochemical variation, residue mobility, and thermodynamic stability) performed at Invitae indicates that this missense variant is not expected to disrupt RAD50 protein function. ClinVar contains an entry for this variant (Variation ID: 457376). This variant has not been reported in the literature in individuals affected with RAD50-related conditions. This variant is not present in population databases (gnomAD no frequency). This sequence change replaces isoleucine, which is neutral and non-polar, with valine, which is neutral and non-polar, at codon 45 of the RAD50 protein (p.Ile45Val).